The following is an entry in ClinVar:

NM_004385.5(VCAN):c.6907A>G (p.Arg2303Gly)

Genes: VCAN (versican; plus strand), VCAN-AS1 (VCAN antisense RNA 1; minus strand). Cytogenetic location: 5q14.3.
Variant type: single nucleotide variant.
Coding change: c.6907A>G on transcript NM_004385.5 (MANE Select); coding-DNA position 6907, A replaced by G.
Protein change: p.Arg2303Gly; replaces arginine 2303 with glycine.
Molecular consequence: missense variant. On other transcripts: intron variant (2).
Genome position (GRCh38, 1-based): chr5:83,539,910, A>G. VCF-style: chr5-83539910-A-G. GRCh37 (hg19) VCF-style: chr5-82835729-A-G.
Other names: c.3946A>G, p.Arg1316Gly (NM_001164097.2); c.4004-5627A>G (NM_001164098.2); c.1043-5627A>G (NM_001126336.3); short protein forms R1316G, R2303G.
Identifiers: ClinVar variation 2975778 (VCV002975778.3), dbSNP rs2479115708, ClinGen allele CA360313601.

ClinVar aggregate classification (germline): Uncertain significance (1 of 4 stars; one submission).

Submission:

Labcorp Genetics (formerly Invitae), Labcorp
Classification: Uncertain significance. Last evaluated: 2023-10-06. Review status: criteria provided, single submitter. Criteria: Invitae Variant Classification Sherloc (09022015). Collection method: clinical testing. Allele origin: germline.
Comment: This sequence change replaces arginine, which is basic and polar, with glycine, which is neutral and non-polar, at codon 2303 of the VCAN protein (p.Arg2303Gly). This variant is not present in population databases (gnomAD no frequency). This variant has not been reported in the literature in individuals affected with VCAN-related conditions. Algorithms developed to predict the effect of missense changes on protein structure and function output the following: SIFT: "Not Available"; PolyPhen-2: "Benign"; Align-GVGD: "Not Available". The glycine amino acid residue is found in multiple mammalian species, which suggests that this missense change does not adversely affect protein function. In summary, the available evidence is currently insufficient to determine the role of this variant in disease. Therefore, it has been classified as a Variant of Uncertain Significance.